The following is an entry in ClinVar:

ClinVar aggregate classification (germline): Uncertain significance. Review status: criteria provided, multiple submitters, no conflicts (2 of 4 stars). 2 submissions from 2 submitters: Uncertain significance (2). Last evaluated 2025-06-11.

Conditions:
Inborn genetic diseases. Identifiers: MedGen C0950123, MeSH D030342.

Allele frequency attached by ClinVar (database versions not stated): gnomAD 0.00002; gnomAD exomes 0.00009 and below 0.00001; ExAC 0.00001; TOPMed 0.00002; ESP Exome Variant Server 0.00008.
gnomAD v4.1: 6 of 1,612,430 alleles (0.00037%); highest among the groups gnomAD compares: Non-Finnish European, 0.00051%; no homozygotes.

Submissions (2):

Ambry Genetics
Classification: Uncertain significance for Inborn genetic diseases. Last evaluated: 2025-06-11. Review status: criteria provided, single submitter. Criteria: Ambry Variant Classification Scheme 2023. Collection method: clinical testing. Allele origin: germline.

Labcorp Genetics (formerly Invitae), Labcorp
Classification: Uncertain significance. Last evaluated: 2021-04-27. Review status: criteria provided, single submitter. Criteria: Invitae Variant Classification Sherloc (09022015). Collection method: clinical testing. Allele origin: germline.
Comment: In summary, the available evidence is currently insufficient to determine the role of this variant in disease. Therefore, it has been classified as a Variant of Uncertain Significance. Algorithms developed to predict the effect of missense changes on protein structure and function are either unavailable or do not agree on the potential impact of this missense change (SIFT: "Deleterious"; PolyPhen-2: "Not Available"; Align-GVGD: "Class C0"). This variant has not been reported in the literature in individuals with PCLO-related conditions. This variant is present in population databases (rs369615127, ExAC 0.002%). This sequence change replaces proline with histidine at codon 365 of the PCLO protein (p.Pro365His). The proline residue is weakly conserved and there is a moderate physicochemical difference between proline and histidine.

NM_033026.6(PCLO):c.1094C>A (p.Pro365His)

Gene: PCLO (piccolo presynaptic cytomatrix protein; minus strand). Cytogenetic location: 7q21.11.
Variant type: single nucleotide variant.
Coding change: c.1094C>A on transcript NM_033026.6 (MANE Select); coding-DNA position 1094, C replaced by A.
Protein change: p.Pro365His; replaces proline 365 with histidine.
Molecular consequence: missense variant.
Genome position (GRCh38, 1-based): chr7:83,155,547, G>T on the plus strand (C>A on the coding strand, the complement: PCLO is on the minus strand). VCF-style: chr7-83155547-G-T. GRCh37 (hg19) VCF-style: chr7-82784863-G-T.
Other names: c.1094C>A, p.Pro365His (NM_014510.3); c.1094C>A (NM_033026.5); short protein forms P365H.
Identifiers: ClinVar variation 1444699 (VCV001444699.7), dbSNP rs369615127, ClinGen allele CA4321523.